The following is an entry in ClinVar:

NM_032578.4(MYPN):c.2059G>C (p.Glu687Gln)

Gene: MYPN (myopalladin; plus strand). Cytogenetic location: 10q21.3.
Variant type: single nucleotide variant.
Coding change: c.2059G>C on transcript NM_032578.4 (MANE Select); coding-DNA position 2059, G replaced by C.
Protein change: p.Glu687Gln; replaces glutamic acid 687 with glutamine.
Molecular consequence: missense variant. On other transcripts: non-coding transcript variant (2).
Genome position (GRCh38, 1-based): chr10:68,174,151, G>C. VCF-style: chr10-68174151-G-C. GRCh37 (hg19) VCF-style: chr10-69933908-G-C.
Other names: c.2059G>C, p.Glu687Gln (NM_001256267.2); c.1177G>C, p.Glu393Gln (NM_001256268.2); short protein forms E687Q, E393Q.
Identifiers: ClinVar variation 424501 (VCV000424501.2), dbSNP rs1064797004, ClinGen allele CA16618965.

ClinVar aggregate classification (germline): Uncertain significance (1 of 4 stars; one submission).

Allele frequency attached by ClinVar (database versions not stated): gnomAD exomes below 0.00001.
gnomAD v4.1: 1 of 1,613,966 alleles (0.000062%); highest among the groups gnomAD compares: African/African-American, 0.0013%; no homozygotes.

Submission:

GeneDx
Classification: Uncertain significance. Last evaluated: 2017-03-24. Review status: criteria provided, single submitter. Criteria: GeneDx Variant Classification (06012015). Collection method: clinical testing. Allele origin: germline. Affected: yes.
Comment: A variant of uncertain significance has been identified in the MYPN gene. The E687Q variant has not been published as pathogenic or been reported as benign to our knowledge. This variant is not observed in large population cohorts (Lek et al., 2016; 1000 Genomes Consortium et al., 2015; Exome Variant Server). The E687Q variant is a semi-conservative amino acid substitution, which may impact secondary protein structure as these residues differ in some properties. This substitution occurs at a position that is conserved in mammals. However, glutamine is the wild-type amino acid at this position in at least two species. Furthermore, in silico analysis is inconsistent in its predictions as to whether or not the variant is damaging to the protein structure/function.